The following is an entry in ClinVar:

ClinVar aggregate classification (germline): Uncertain significance (1 of 4 stars; one submission).

gnomAD v4.1: 2 of 1,613,846 alleles (0.00012%); highest among the groups gnomAD compares: South Asian, 0.0011%; no homozygotes.

Submission:

Women's Health and Genetics/Laboratory Corporation of America, LabCorp
Classification: Uncertain significance. Last evaluated: 2026-03-02. Review status: criteria provided, single submitter. Criteria: LabCorp Variant Classification Summary - May 2015. Collection method: clinical testing. Allele origin: germline.
Comment: Variant summary: SAMD9 c.4258C>T (p.Gln1420X) results in a premature termination codon, predicted to cause a truncation of the encoded protein or absence of the protein due to nonsense mediated decay, however current evidence is not sufficient to establish loss of function as a mechanism for disease. The variant was absent in 251088 control chromosomes. The available data on variant occurrences in the general population are insufficient to allow any conclusion about variant significance. To our knowledge, no occurrence of c.4258C>T in individuals affected with SAMD9-related conditions and no experimental evidence demonstrating its impact on protein function have been reported. No submitters have cited clinical-significance assessments for this variant to ClinVar. Based on the evidence outlined above, the variant was classified as uncertain significance.

NM_017654.4(SAMD9):c.4258C>T (p.Gln1420Ter)

Gene: SAMD9 (sterile alpha motif domain containing 9; minus strand). Cytogenetic location: 7q21.2.
Variant type: single nucleotide variant.
Coding change: c.4258C>T on transcript NM_017654.4 (MANE Select); coding-DNA position 4258, C replaced by T.
Protein change: p.Gln1420Ter; replaces glutamine 1420 with a stop codon.
Molecular consequence: nonsense.
Genome position (GRCh38, 1-based): chr7:93,101,840, G>A on the plus strand (C>T on the coding strand, the complement: SAMD9 is on the minus strand). VCF-style: chr7-93101840-G-A. GRCh37 (hg19) VCF-style: chr7-92731153-G-A.
Other names: c.4258C>T, p.Gln1420Ter (NM_001193307.2); short protein forms Q1420*.
Identifiers: ClinVar variation 4847580 (VCV004847580.1).